The following is an entry in ClinVar:

ClinVar aggregate classification (germline): Likely benign. Review status: criteria provided, multiple submitters, no conflicts (2 of 4 stars). 3 submissions from 3 submitters: Likely benign (3). Last evaluated 2025-08-21.

Allele frequency attached by ClinVar (database versions not stated): TOPMed below 0.00001; gnomAD 0.00001; gnomAD exomes 0.00002; ESP Exome Variant Server 0.00008; ExAC 0.00014.
gnomAD v4.1: 41 of 1,596,088 alleles (0.0026%); highest among the groups gnomAD compares: Middle Eastern, 0.017%; no homozygotes.

Submissions (3):

Labcorp Genetics (formerly Invitae), Labcorp
Classification: Likely benign. Last evaluated: 2025-08-21. Review status: criteria provided, single submitter. Criteria: Invitae Variant Classification Sherloc (09022015). Collection method: clinical testing. Allele origin: germline.

Blueprint Genetics
Classification: Likely benign. Last evaluated: 2024-11-04. Review status: criteria provided, single submitter. Criteria: ACMG Guidelines, 2015. Collection method: clinical testing. Allele origin: germline.

CeGaT Center for Human Genetics Tuebingen
Classification: Likely benign. Last evaluated: 2024-07-01. Review status: criteria provided, single submitter. Criteria: CeGaT Center For Human Genetics Tuebingen Variant Classification Criteria Version 2. Collection method: clinical testing. Allele origin: germline. Affected: yes. Observed: 2 variant alleles.
Comment: CACNA1B: BP4, BP7

NM_000718.4(CACNA1B):c.1746G>A (p.Leu582=)

Gene: CACNA1B (calcium voltage-gated channel subunit alpha1 B; plus strand). Cytogenetic location: 9q34.3.
Variant type: single nucleotide variant.
Coding change: c.1746G>A on transcript NM_000718.4 (MANE Select); coding-DNA position 1746, G replaced by A.
Protein change: p.Leu582=; no amino-acid change (leucine 582 retained).
Molecular consequence: synonymous variant.
Genome position (GRCh38, 1-based): chr9:137,984,227, G>A. VCF-style: chr9-137984227-G-A. GRCh37 (hg19) VCF-style: chr9-140878679-G-A.
Other names: c.1746G>A, p.Leu582= (NM_001243812.2).
Identifiers: ClinVar variation 2192634 (VCV002192634.29), dbSNP rs200379740, ClinGen allele CA5376254.